The following is an entry in ClinVar:

NM_001281740.3(FHOD3):c.694G>A (p.Val232Ile)

Gene: FHOD3 (formin homology 2 domain containing 3; plus strand). Cytogenetic location: 18q12.2.
Variant type: single nucleotide variant.
Coding change: c.694G>A on transcript NM_001281740.3 (MANE Select); coding-DNA position 694, G replaced by A.
Protein change: p.Val232Ile; replaces valine 232 with isoleucine.
Molecular consequence: missense variant.
Genome position (GRCh38, 1-based): chr18:36,594,874, G>A. VCF-style: chr18-36594874-G-A. GRCh37 (hg19) VCF-style: chr18-34174837-G-A.
Other names: c.694G>A, p.Val232Ile (NM_001281739.3, NM_025135.5); short protein forms V232I.
Identifiers: ClinVar variation 4986307 (VCV004986307.1).

ClinVar aggregate classification (germline): Uncertain significance (1 of 4 stars; one submission).

Conditions:
FHOD3-related disorder. Also called: FHOD3-related condition.

gnomAD v4.1: 51 of 1,613,350 alleles (0.0032%); highest among the groups gnomAD compares: South Asian, 0.014%; no homozygotes.

Submission:

PreventionGenetics, part of Exact Sciences
Classification: Uncertain significance for FHOD3-related condition. Last evaluated: 2026-02-09. Review status: criteria provided, single submitter. Criteria: ACMG Guidelines, 2015. Collection method: clinical testing. Allele origin: germline.
Comment: The FHOD3 c.694G>A variant is predicted to result in the amino acid substitution p.Val232Ile. To our knowledge, this variant has not been reported in the literature. This variant is reported in 0.0066% of alleles in individuals of South Asian descent in gnomAD. At this time, the clinical significance of this variant is uncertain due to the absence of conclusive functional and genetic evidence.